The following is an entry in ClinVar:

ClinVar aggregate classification (germline): Pathogenic/Likely pathogenic. Review status: criteria provided, multiple submitters, no conflicts (2 of 4 stars). 2 submissions from 2 submitters: Pathogenic (1); Likely pathogenic (1). Last evaluated 2025-02-13.

Conditions:
Rhizomelic chondrodysplasia punctata (RCDP). Identifiers: Orphanet 177, MedGen C0282529, MONDO:0015776. Disease mechanism: loss of function.
Peroxisome biogenesis disorder 9B. Also called: PEX7-Related Refsum Disease; PEROXISOME BIOGENESIS DISORDER, PEX7-RELATED, ATYPICAL; Refsum disease, adult, 2. Identifiers: Orphanet 773, MedGen C2749346, MONDO:0013945, OMIM 614879.

Submissions (2):

Natera, Inc.
Classification: Likely pathogenic for Rhizomelic Chondrodysplasia Punctata. Last evaluated: 2025-02-13. Review status: criteria provided, single submitter. Criteria: Natera Variant Classification Schema (03/2026). Collection method: clinical testing. Allele origin: germline.
Comment: The c.474_477delTTAT variant in PEX7 is a frameshift variant predicted to shift the reading frame beginning at codon 159 and leads to a stop codon 21 codons downstream. This variant is expected to result in nonsense mediated decay, truncation, or a dysfunctional protein product. This variant is rare in the general population with a frequency below the threshold expected for the associated phenotype(s). Given the available evidence, this variant is classified as Likely Pathogenic.

Labcorp Genetics (formerly Invitae), Labcorp
Classification: Pathogenic for Peroxisome biogenesis disorder 9B. Last evaluated: 2023-07-15. Review status: criteria provided, single submitter. Criteria: Invitae Variant Classification Sherloc (09022015). Collection method: clinical testing. Allele origin: germline.
Comment: For these reasons, this variant has been classified as Pathogenic. This variant has not been reported in the literature in individuals affected with PEX7-related conditions. This variant is not present in population databases (gnomAD no frequency). This sequence change creates a premature translational stop signal (p.Tyr159Alafs*21) in the PEX7 gene. It is expected to result in an absent or disrupted protein product. Loss-of-function variants in PEX7 are known to be pathogenic (PMID: 12325024, 12522768, 20301447).

Literature cited by the submitters: PubMed 12325024 (cited by Labcorp Genetics (formerly Invitae), Labcorp); PubMed 12522768 (cited by Labcorp Genetics (formerly Invitae), Labcorp); PubMed 20301447 (cited by Labcorp Genetics (formerly Invitae), Labcorp).

NM_000288.4(PEX7):c.474_477del (p.Tyr159fs)

Gene: PEX7 (peroxisomal biogenesis factor 7; plus strand). Cytogenetic location: 6q23.3.
Variant type: Microsatellite.
Coding change: c.474_477del on transcript NM_000288.4 (MANE Select); coding-DNA positions 474 to 477, 4 bases deleted (TTAT; older notation c.474_477delTTAT).
Protein change: p.Tyr159fs; shifts the reading frame from tyrosine 159.
Molecular consequence: frameshift variant.
Genome position (GRCh38, 1-based): chr6:136,846,129-136,846,132, TTAT deleted; deleting any 4 consecutive bases within chr6:136,846,125-136,846,132 gives the same sequence; the c. name uses the placement nearest the transcript's 3' end. VCF-style (leftmost placement, unchanged base first): chr6-136846124-ATTAT-A. GRCh37 (hg19) VCF-style: chr6-137167262-ATTAT-A.
Other names: c.474_477delTTAT (NM_000288.3); short protein forms Y159fs.
Identifiers: ClinVar variation 1075998 (VCV001075998.6), dbSNP rs2115171634, ClinGen allele CA2580615784.